The following is an entry in ClinVar:

ClinVar aggregate classification (germline): Conflicting classifications of pathogenicity. Review status: criteria provided, conflicting classifications (1 of 4 stars). 5 submissions from 5 submitters: Uncertain significance (3); Likely benign (1). 1 of the submissions does not count toward it. Last evaluated 2025-11-01.

Conditions:
Hereditary cancer-predisposing syndrome. Also called: Neoplastic Syndromes, Hereditary; Hereditary neoplastic syndrome; Tumor predisposition; Hereditary Cancer Syndrome. Identifiers: Orphanet 140162, MedGen C0027672, MeSH D009386, MONDO:0015356.
Bloom syndrome (BLM). Also called: Bloom-Torre-Machacek syndrome. Identifiers: Orphanet 125, MedGen C0005859, MONDO:0008876, OMIM 210900.

Allele frequency attached by ClinVar (database versions not stated): gnomAD 0.00001; gnomAD exomes 0.00001; TOPMed 0.00001; ExAC 0.00002.
gnomAD v4.1: 15 of 1,613,986 alleles (0.00093%); highest among the groups gnomAD compares: East Asian, 0.0022%; no homozygotes.

Submissions (5):

Labcorp Genetics (formerly Invitae), Labcorp
Classification: Uncertain significance for Bloom syndrome. Last evaluated: 2025-11-01. Review status: criteria provided, single submitter. Criteria: Invitae Variant Classification Sherloc (09022015). Collection method: clinical testing. Allele origin: germline.
Comment: This sequence change replaces phenylalanine, which is neutral and non-polar, with leucine, which is neutral and non-polar, at codon 492 of the BLM protein (p.Phe492Leu). This variant is present in population databases (rs764182382, gnomAD 0.003%). This variant has not been reported in the literature in individuals affected with BLM-related conditions. ClinVar contains an entry for this variant (Variation ID: 524800). Invitae Evidence Modeling of protein sequence and biophysical properties (such as structural, functional, and spatial information, amino acid conservation, physicochemical variation, residue mobility, and thermodynamic stability) indicates that this missense variant is not expected to disrupt BLM protein function with a negative predictive value of 80%. In summary, the available evidence is currently insufficient to determine the role of this variant in disease. Therefore, it has been classified as a Variant of Uncertain Significance.

GeneDx
Classification: Uncertain significance. Last evaluated: 2024-10-08. Review status: criteria provided, single submitter. Criteria: GeneDx Variant Classification Process June 2021. Collection method: clinical testing. Allele origin: germline. Affected: yes.
Comment: Not observed at significant frequency in large population cohorts (gnomAD); In silico analysis indicates that this missense variant does not alter protein structure/function; Has not been previously published as pathogenic or benign to our knowledge

Ambry Genetics
Classification: Likely benign for Hereditary cancer-predisposing syndrome. Last evaluated: 2024-03-14. Review status: criteria provided, single submitter. Criteria: Ambry Variant Classification Scheme 2023. Collection method: clinical testing. Allele origin: germline.

Women's Health and Genetics/Laboratory Corporation of America, LabCorp
Classification: Uncertain significance. Last evaluated: 2023-06-05. Review status: criteria provided, single submitter. Criteria: LabCorp Variant Classification Summary - May 2015. Collection method: clinical testing. Allele origin: germline.

Natera, Inc.
Classification: Uncertain significance for Bloom syndrome. Last evaluated: 2021-07-28. Review status: no assertion criteria provided. Collection method: clinical testing. Allele origin: germline. Not counted in ClinVar's aggregate classification.

NM_000057.4(BLM):c.1474T>C (p.Phe492Leu)

Gene: BLM (BLM RecQ like helicase; plus strand). Cytogenetic location: 15q26.1.
Variant type: single nucleotide variant.
Coding change: c.1474T>C on transcript NM_000057.4 (MANE Select); coding-DNA position 1474, T replaced by C.
Protein change: p.Phe492Leu; replaces phenylalanine 492 with leucine.
Molecular consequence: missense variant.
Genome position (GRCh38, 1-based): chr15:90,760,847, T>C. VCF-style: chr15-90760847-T-C. GRCh37 (hg19) VCF-style: chr15-91304077-T-C.
Other names: c.1474T>C, p.Phe492Leu (NM_001287246.2, NM_001287247.2); c.349T>C, p.Phe117Leu (NM_001287248.2); short protein forms F492L, F117L.
Identifiers: ClinVar variation 524800 (VCV000524800.17), dbSNP rs764182382, ClinGen allele CA7738540.